The following is an entry in ClinVar:

NM_053025.4(MYLK):c.3368C>T (p.Ser1123Phe)

Gene: MYLK (myosin light chain kinase; minus strand). Cytogenetic location: 3q21.1.
Variant type: single nucleotide variant.
Coding change: c.3368C>T on transcript NM_053025.4 (MANE Select); coding-DNA position 3368, C replaced by T.
Protein change: p.Ser1123Phe; replaces serine 1123 with phenylalanine.
Molecular consequence: missense variant.
Genome position (GRCh38, 1-based): chr3:123,700,100, G>A on the plus strand (C>T on the coding strand, the complement: MYLK is on the minus strand). VCF-style: chr3-123700100-G-A. GRCh37 (hg19) VCF-style: chr3-123418947-G-A.
Other names: c.2840C>T, p.Ser947Phe (NM_001321309.2); c.3161C>T, p.Ser1054Phe (NM_053026.4, NM_053028.4); c.3368C>T, p.Ser1123Phe (NM_053027.4); short protein forms S947F, S1054F, S1123F.
Identifiers: ClinVar variation 3692509 (VCV003692509.2).

ClinVar aggregate classification (germline): Uncertain significance (1 of 4 stars; one submission).

Conditions:
Aortic aneurysm, familial thoracic 7 (AAT7). Also called: AORTIC DISSECTION, FAMILIAL, WITH OR WITHOUT AORTIC ANEURYSM. Identifiers: MedGen C3151077, MONDO:0013418, OMIM 613780.

Submission:

Labcorp Genetics (formerly Invitae), Labcorp
Classification: Uncertain significance for Aortic aneurysm, familial thoracic 7. Last evaluated: 2024-06-02. Review status: criteria provided, single submitter. Criteria: Invitae Variant Classification Sherloc (09022015). Collection method: clinical testing. Allele origin: germline.
Comment: This sequence change replaces serine, which is neutral and polar, with phenylalanine, which is neutral and non-polar, at codon 1123 of the MYLK protein (p.Ser1123Phe). This variant is not present in population databases (gnomAD no frequency). This variant has not been reported in the literature in individuals affected with MYLK-related conditions. Advanced modeling of protein sequence and biophysical properties (such as structural, functional, and spatial information, amino acid conservation, physicochemical variation, residue mobility, and thermodynamic stability) performed at Invitae indicates that this missense variant is not expected to disrupt MYLK protein function with a negative predictive value of 80%. In summary, the available evidence is currently insufficient to determine the role of this variant in disease. Therefore, it has been classified as a Variant of Uncertain Significance.